The following is an entry in ClinVar:

NM_014956.5(CEP164):c.3696_3697del (p.Ser1233fs)

Gene: CEP164 (centrosomal protein 164; plus strand). Cytogenetic location: 11q23.3.
Variant type: Deletion.
Coding change: c.3696_3697del on transcript NM_014956.5 (MANE Select); coding-DNA positions 3696 to 3697, 2 bases deleted (AA; older notation c.3696_3697delAA).
Protein change: p.Ser1233fs; shifts the reading frame from serine 1233.
Molecular consequence: frameshift variant.
Genome position (GRCh38, 1-based): chr11:117,408,976-117,408,977, AA deleted; deleting any 2 consecutive bases within chr11:117,408,975-117,408,977 gives the same sequence; the c. name uses the placement nearest the transcript's 3' end. VCF-style (leftmost placement, unchanged base first): chr11-117408974-GAA-G. GRCh37 (hg19) VCF-style: chr11-117279690-GAA-G.
Other names: c.3705_3706del, p.Ser1236fs (NM_001271933.2); c.3702_3703del, p.Ser1235fs (NM_001440949.1); c.3696_3697del, p.Ser1233fs (NM_001440950.1, NM_001440951.1, NM_001440953.1); c.3687_3688del, p.Ser1230fs (NM_001440952.1); c.3618_3619del, p.Ser1207fs (NM_001440954.1, NM_001440955.1, NM_001440958.1 and 1 more transcripts); c.3609_3610del, p.Ser1204fs (NM_001440956.1); c.3606_3607del, p.Ser1203fs (NM_001440957.1); c.3567_3568del, p.Ser1190fs (NM_001440960.1); and 14 more; short protein forms S1113fs, S1203fs, S1207fs, S1235fs, S1236fs, S1108fs, S1184fs, S1157fs.
Identifiers: ClinVar variation 5000078 (VCV005000078.1).

ClinVar aggregate classification (germline): Likely pathogenic (1 of 4 stars; one submission).

Conditions:
CEP164-related disorder. Also called: CEP164-related condition.

Submission:

PreventionGenetics, part of Exact Sciences
Classification: Likely pathogenic for CEP164-related condition. Last evaluated: 2025-05-29. Review status: criteria provided, single submitter. Criteria: ACMG Guidelines, 2015. Collection method: clinical testing. Allele origin: germline.
Comment: The CEP164 c.3696_3697delAA variant is predicted to result in a frameshift and premature protein termination (p.Ser1233Phefs*2). To our knowledge, this variant has not been reported in the literature or in a large population database (gnomAD), indicating this variant is rare. Frameshift variants in CEP164 are expected to be pathogenic. This variant is interpreted as likely pathogenic.